The following is an entry in ClinVar:

NM_018685.5(ANLN):c.2695A>G (p.Thr899Ala)

Gene: ANLN (anillin, actin binding protein; plus strand). Cytogenetic location: 7p14.2.
Variant type: single nucleotide variant.
Coding change: c.2695A>G on transcript NM_018685.5 (MANE Select); coding-DNA position 2695, A replaced by G.
Protein change: p.Thr899Ala; replaces threonine 899 with alanine.
Molecular consequence: missense variant.
Genome position (GRCh38, 1-based): chr7:36,424,728, A>G. VCF-style: chr7-36424728-A-G. GRCh37 (hg19) VCF-style: chr7-36464337-A-G.
Other names: c.2584A>G, p.Thr862Ala (NM_001284301.3); c.2581A>G, p.Thr861Ala (NM_001284302.3); short protein forms T899A, T861A, T862A.
Identifiers: ClinVar variation 3686384 (VCV003686384.2).

ClinVar aggregate classification (germline): Uncertain significance (1 of 4 stars; one submission).

gnomAD v4.1: 3 of 1,612,454 alleles (0.00019%); highest among the groups gnomAD compares: African/African-American, 0.0013%; no homozygotes.

Submission:

Labcorp Genetics (formerly Invitae), Labcorp
Classification: Uncertain significance. Last evaluated: 2025-06-12. Review status: criteria provided, single submitter. Criteria: Invitae Variant Classification Sherloc (09022015). Collection method: clinical testing. Allele origin: germline.
Comment: This sequence change replaces threonine, which is neutral and polar, with alanine, which is neutral and non-polar, at codon 899 of the ANLN protein (p.Thr899Ala). This variant is not present in population databases (gnomAD no frequency). This variant has not been reported in the literature in individuals affected with ANLN-related conditions. ClinVar contains an entry for this variant (Variation ID: 3686384). Invitae Evidence Modeling of protein sequence and biophysical properties (such as structural, functional, and spatial information, amino acid conservation, physicochemical variation, residue mobility, and thermodynamic stability) indicates that this missense variant is not expected to disrupt ANLN protein function with a negative predictive value of 80%. In summary, the available evidence is currently insufficient to determine the role of this variant in disease. Therefore, it has been classified as a Variant of Uncertain Significance.